The following is an entry in ClinVar:

ClinVar aggregate classification (germline): Uncertain significance (1 of 4 stars; one submission).

Conditions:
Hereditary cancer-predisposing syndrome. Also called: Hereditary Cancer Syndrome; Neoplastic Syndromes, Hereditary; Tumor predisposition; Hereditary neoplastic syndrome. Identifiers: Orphanet 140162, MedGen C0027672, MeSH D009386, MONDO:0015356.

gnomAD v4.1: 6 of 466,822 alleles (0.0013%); highest among the groups gnomAD compares: Non-Finnish European, 0.0025%; no homozygotes.

Submission:

Ambry Genetics
Classification: Uncertain significance for Hereditary cancer-predisposing syndrome. Last evaluated: 2025-09-16. Review status: criteria provided, single submitter. Criteria: Ambry Variant Classification Scheme 2023. Collection method: clinical testing. Allele origin: germline.
Comment: The c.49-344T>G intronic variant results from a T to G substitution 344 nucleotides upstream from coding exon 2 in the PALB2 gene. This nucleotide position is well conserved in available vertebrate species. In silico splice site analysis predicts that this alteration will result in the creation or strengthening of a novel splice donor site; however, direct evidence is insufficient at this time (Ambry internal data). Based on the available evidence, the clinical significance of this variant remains unclear.

NM_024675.4(PALB2):c.49-344T>G

Gene: PALB2 (partner and localizer of BRCA2; minus strand). Cytogenetic location: 16p12.2.
Variant type: single nucleotide variant.
Coding change: c.49-344T>G on transcript NM_024675.4 (MANE Select); 344 bases into the intron before coding-DNA position 49, T replaced by G.
Molecular consequence: intron variant.
Genome position (GRCh38, 1-based): chr16:23,638,473, A>C on the plus strand (T>G on the coding strand, the complement: PALB2 is on the minus strand). VCF-style: chr16-23638473-A-C. GRCh37 (hg19) VCF-style: chr16-23649794-A-C.
Other names: c.-852T>G (NM_001407305.1, NM_001407307.1, NM_001407309.1 and 1 more transcripts).
Identifiers: ClinVar variation 1744213 (VCV001744213.5), dbSNP rs1967121549, ClinGen allele CA975711676.
Genomic context (GRCh38, chr16:23,638,473, plus strand): 5'-CCAAATCTAGGTTAGACACTCTACCAGTCCTCTGTACTTTCCTTACCACAGTATTCTCAC[A>C]CTATGTTCTCTGTTTCTCCCCATCATCCAGATCCTTGAAGGTAGCAGGAACTGCCATCCT-3'